The following is an entry in ClinVar:

ClinVar aggregate classification (germline): Conflicting classifications of pathogenicity. Review status: criteria provided, conflicting classifications (1 of 4 stars). 3 submissions from 3 submitters: Uncertain significance (2); Likely benign (1). Last evaluated 2025-03-21.

Conditions:
Fanconi anemia (FA). Also called: Fanconi's anemia. Identifiers: Orphanet 84, MedGen C0015625, MeSH D005199, MONDO:0019391.
Fanconi anemia complementation group A (FANCA). Also called: FANCA-Related Fanconi Anemia; Fanconi anemia, group A. Identifiers: Orphanet 84, MedGen C3469521, MONDO:0009215, OMIM 227650.

Allele frequency attached by ClinVar (database versions not stated): ESP Exome Variant Server 0.00023.

Submissions (3):

Quest Diagnostics Nichols Institute San Juan Capistrano
Classification: Uncertain significance. Last evaluated: 2025-03-21. Review status: criteria provided, single submitter. Criteria: Quest Diagnostics criteria. Collection method: clinical testing. Allele origin: unknown.
Comment: The FANCA c.505G>C (p.Glu169Gln) variant has not been reported in individuals with FANCA-related conditions in the published literature. The frequency of this variant in the general population (Genome Aggregation Database) is uninformative in the assessment of its pathogenicity. Analysis of this variant using bioinformatics tools for the prediction of the effect of amino acid changes on protein structure and function yielded conflicting predictions that this variant is benign or damaging. Based on the available information, we are unable to determine the clinical significance of this variant.

Labcorp Genetics (formerly Invitae), Labcorp
Classification: Likely benign for Fanconi anemia. Last evaluated: 2024-10-22. Review status: criteria provided, single submitter. Criteria: Invitae Variant Classification Sherloc (09022015). Collection method: clinical testing. Allele origin: germline.

Revvity Omics, Revvity
Classification: Uncertain significance for Fanconi anemia complementation group A. Last evaluated: 2019-09-11. Review status: criteria provided, single submitter. Criteria: ACMG Guidelines, 2015. Collection method: clinical testing. Allele origin: germline.

NM_000135.4(FANCA):c.505G>C (p.Glu169Gln)

Gene: FANCA (FA complementation group A; minus strand). Cytogenetic location: 16q24.3.
Variant type: single nucleotide variant.
Coding change: c.505G>C on transcript NM_000135.4 (MANE Select); coding-DNA position 505, G replaced by C.
Protein change: p.Glu169Gln; replaces glutamic acid 169 with glutamine.
Molecular consequence: missense variant. On other transcripts: intron variant (1).
Genome position (GRCh38, 1-based): chr16:89,810,724, C>G on the plus strand (G>C on the coding strand, the complement: FANCA is on the minus strand). VCF-style: chr16-89810724-C-G. GRCh37 (hg19) VCF-style: chr16-89877132-C-G.
Other names: c.505G>C, p.Glu169Gln (NM_001018112.3, NM_001286167.3); c.426+205G>C (NM_001351830.2); c.505G>C (NM_000135.3); short protein forms E169Q.
Identifiers: ClinVar variation 2061199 (VCV002061199.8), dbSNP rs372691338, ClinGen allele CA8252989.